The following is an entry in ClinVar:

ClinVar aggregate classification (germline): Likely benign (1 of 4 stars; one submission).

Allele frequency attached by ClinVar (database versions not stated): gnomAD 0.00004 and 0.00003; ExAC 0.00002; gnomAD exomes 0.00002; TOPMed 0.00002.
gnomAD v4.1: 109 of 1,611,326 alleles (0.0068%); highest among the groups gnomAD compares: Middle Eastern, 0.016%; no homozygotes.

Submission:

Laboratory for Molecular Medicine, Mass General Brigham Personalized Medicine
Classification: Likely benign. Last evaluated: 2014-10-19. Review status: criteria provided, single submitter. Criteria: LMM Criteria. Collection method: clinical testing. Allele origin: germline. Observed: 1 variant allele.
Comment: c.1333-8C>T in intron 15 of MYO1A: This variant is not expected to have clinical significance because a C>T change at this position does not diverge from the sp lice consensus sequence and is therefore unlikely to impact splicing.

NM_005379.4(MYO1A):c.1333-8C>T

Gene: MYO1A (myosin IA; minus strand). Cytogenetic location: 12q13.3.
Variant type: single nucleotide variant.
Coding change: c.1333-8C>T on transcript NM_005379.4 (MANE Select); 8 bases into the intron before coding-DNA position 1333, C replaced by T.
Molecular consequence: intron variant.
Genome position (GRCh38, 1-based): chr12:57,039,017, G>A on the plus strand (C>T on the coding strand, the complement: MYO1A is on the minus strand). VCF-style: chr12-57039017-G-A. GRCh37 (hg19) VCF-style: chr12-57432801-G-A.
Other names: c.1333-8C>T (NM_001256041.2).
Identifiers: ClinVar variation 180036 (VCV000180036.4), dbSNP rs727505302, ClinGen allele CA185688.